The following is an entry in ClinVar:

ClinVar aggregate classification (germline): Uncertain significance (1 of 4 stars; one submission).

Allele frequency attached by ClinVar (database versions not stated): ExAC 0.00001.

Submission:

GeneDx
Classification: Uncertain significance. Last evaluated: 2017-08-23. Review status: criteria provided, single submitter. Criteria: GeneDx Variant Classification (06012015). Collection method: clinical testing. Allele origin: germline. Affected: yes.
Comment: The D143V (c.428 A>T) variant has not been published as a pathogenic variant, nor has it been reported as a benign variant to our knowledge. The D143V (c.428 A>T) variant is not observed at a significant frequency in large population cohorts (Lek et al., 2016; 1000 Genomes Consortium et al., 2015; Exome Variant Server). The D143V variant is a non-conservative amino acid substitution, which is likely to impact secondary protein structure as these residues differ in polarity, charge, size and/or other properties. The D143V (c.428 A>T) substitution occurs at a position that is conserved across species. In silico analysis predicts that D143V is probably damaging to the protein structure/function. Several in-silico splice prediction models predict that the c.428 A>T nucleotide substitution, responsible for D143V, creates a cryptic acceptor site which may supplant the natural acceptor site and lead to abnormal gene splicing. However, in the absence of RNA/functional studies, the actual effect of this sequence change in this individual is unknown. In summary, based on the currently available information, it is unclear whether the D143V (c.428 A>T) variant is a pathogenic variant or a rare benign variant.

NM_006415.4(SPTLC1):c.428A>T (p.Asp143Val)

Gene: SPTLC1 (serine palmitoyltransferase long chain base subunit 1; minus strand). Cytogenetic location: 9q22.31.
Variant type: single nucleotide variant.
Coding change: c.428A>T on transcript NM_006415.4 (MANE Select); coding-DNA position 428, A replaced by T.
Protein change: p.Asp143Val; replaces aspartic acid 143 with valine.
Molecular consequence: missense variant. On other transcripts: 5 prime UTR variant (1).
Genome position (GRCh38, 1-based): chr9:92,068,098, T>A on the plus strand (A>T on the coding strand, the complement: SPTLC1 is on the minus strand). VCF-style: chr9-92068098-T-A. GRCh37 (hg19) VCF-style: chr9-94830380-T-A.
Other names: c.428A>T, p.Asp143Val (NM_001281303.2); c.62A>T, p.Asp21Val (NM_001368272.1); c.-38A>T (NM_001368273.1); c.428A>T (LRG_272t1); short protein forms D143V, D21V.
Identifiers: ClinVar variation 451260 (VCV000451260.2), dbSNP rs764072897, ClinGen allele CA5121547.